The following is an entry in ClinVar:

NM_172250.3(MMAA):c.*3285G>A

Gene: MMAA (metabolism of cobalamin associated A; plus strand). Cytogenetic location: 4q31.21.
Variant type: single nucleotide variant.
Coding change: c.*3285G>A on transcript NM_172250.3 (MANE Select); 3285 bases downstream of the stop codon, G replaced by A.
Molecular consequence: 3 prime UTR variant.
Genome position (GRCh38, 1-based): chr4:145,658,719, G>A. VCF-style: chr4-145658719-G-A. GRCh37 (hg19) VCF-style: chr4-146579871-G-A.
Identifiers: ClinVar variation 347663 (VCV000347663.6), dbSNP rs142885287, ClinGen allele CA10620138.

ClinVar aggregate classification (germline): Likely benign. Review status: criteria provided, multiple submitters, no conflicts (2 of 4 stars). 2 submissions from 2 submitters: Likely benign (2). Last evaluated 2018-01-13.

Conditions:
Methylmalonic aciduria, cblA type (MACA). Also called: Methylmalonic aciduria, vitamin b12-responsive, due to defect in synthesis of adenosylcobalamin, cbla complementation type; MMA cbl A type; Methylmalonic acidemia cblA type; Methylmalonic aciduria, vitamin B12-responsive; Vitamin B12-responsive methylmalonic acidemia type cblA. Identifiers: Orphanet 28, Orphanet 79310, MedGen C1855109, MONDO:0009613, OMIM 251100.

Allele frequency attached by ClinVar (database versions not stated): 1000 Genomes Project 30x 0.01811; 1000 Genomes Project 0.01877; TOPMed 0.02595; gnomAD 0.03017.

Submissions (2):

Illumina Laboratory Services, Illumina
Classification: Likely benign for Methylmalonic aciduria, cblA type. Last evaluated: 2018-01-13. Review status: criteria provided, single submitter. Criteria: ICSL Variant Classification Criteria 13 December 2019. Collection method: clinical testing. Allele origin: germline.
Comment: This variant was observed in the ICSL laboratory as part of a predisposition screen in an ostensibly healthy population. It had not been previously curated by ICSL or reported in the Human Gene Mutation Database (HGMD: prior to June 1st, 2018), and was therefore a candidate for classification through an automated scoring system. Utilizing variant allele frequency, disease prevalence and penetrance estimates, and inheritance mode, an automated score was calculated to assess if this variant is too frequent to cause the disease. Based on the score and internal cut-off values, a variant classified as likely benign is not then subjected to further curation. The score for this variant resulted in a classification of likely benign for this disease.

Breakthrough Genomics
Classification: Likely benign. Review status: criteria provided, single submitter. Criteria: ACMG Guidelines, 2015. Collection method: not provided. Allele origin: germline. Inheritance: Autosomal recessive inheritance. Affected: yes.